The following is an entry in ClinVar:

ClinVar aggregate classification (germline): Benign. Review status: criteria provided, single submitter (1 of 4 stars). 2 submissions from 2 submitters: Benign (1). 1 of the submissions does not count toward it. Last evaluated 2018-01-13.

Conditions:
Immunodeficiency 35 (IMD35). Also called: HIES WITH ATYPICAL MYCOBACTERIOSIS, AUTOSOMAL RECESSIVE; HYPER-IgE SYNDROME WITH ATYPICAL MYCOBACTERIOSIS, AUTOSOMAL RECESSIVE; TYK2 DEFICIENCY; Susceptibility to infection due to TYK2 deficiency. Identifiers: Orphanet 331226, MedGen C1969086, MONDO:0012682, OMIM 611521.
Virus-induced diabetes. Identifiers: MedGen CN258239.

Allele frequency attached by ClinVar (database versions not stated): TOPMed 0.00204; gnomAD 0.00502 and 0.00531; 1000 Genomes Project 30x 0.00515; 1000 Genomes Project 0.00659.

Submissions (2):

Illumina Laboratory Services, Illumina
Classification: Benign for Immunodeficiency 35. Last evaluated: 2018-01-13. Review status: criteria provided, single submitter. Criteria: ICSL Variant Classification Criteria 13 December 2019. Collection method: clinical testing. Allele origin: germline.
Comment: This variant was observed in the ICSL laboratory as part of a predisposition screen in an ostensibly healthy population. It had not been previously curated by ICSL or reported in the Human Gene Mutation Database (HGMD: prior to June 1st, 2018), and was therefore a candidate for classification through an automated scoring system. Utilizing variant allele frequency, disease prevalence and penetrance estimates, and inheritance mode, an automated score was calculated to assess if this variant is too frequent to cause the disease. Based on the score and internal cut-off values, a variant classified as benign is not then subjected to further curation. The score for this variant resulted in a classification of benign for this disease.

Division of Host Defense, Kyushu University
Classification: Uncertain significance for Virus-induced diabetes. Review status: no assertion criteria provided. Collection method: reference population. Allele origin: inherited. Not counted in ClinVar's aggregate classification.

Literature cited by the submitters: PubMed 26288847 (cited by Division of Host Defense, Kyushu University).

NM_003331.5(TYK2):c.-378A>G

Gene: TYK2 (tyrosine kinase 2; minus strand). Cytogenetic location: 19p13.2.
Variant type: single nucleotide variant.
Coding change: c.-378A>G on transcript NM_003331.5 (MANE Select); 378 bases upstream of the start codon, A replaced by G.
Molecular consequence: 5 prime UTR variant.
Genome position (GRCh38, 1-based): chr19:10,380,572, T>C on the plus strand (A>G on the coding strand, the complement: TYK2 is on the minus strand). VCF-style: chr19-10380572-T-C. GRCh37 (hg19) VCF-style: chr19-10491248-T-C.
Other names: c.-378A>G (LRG_121t1).
Identifiers: ClinVar variation 327969 (VCV000327969.6), dbSNP rs17000730, ClinGen allele CA10648170.